The following is an entry in ClinVar:

NM_006514.4(SCN10A):c.2029G>C (p.Val677Leu)

Gene: SCN10A (sodium voltage-gated channel alpha subunit 10; minus strand). Cytogenetic location: 3p22.2.
Variant type: single nucleotide variant.
Coding change: c.2029G>C on transcript NM_006514.4 (MANE Select); coding-DNA position 2029, G replaced by C.
Protein change: p.Val677Leu; replaces valine 677 with leucine.
Molecular consequence: missense variant.
Genome position (GRCh38, 1-based): chr3:38,742,368, C>G on the plus strand (G>C on the coding strand, the complement: SCN10A is on the minus strand). VCF-style: chr3-38742368-C-G. GRCh37 (hg19) VCF-style: chr3-38783859-C-G.
Other names: c.2029G>C, p.Val677Leu (NM_001293306.2); c.1735G>C, p.Val579Leu (NM_001293307.2); short protein forms V579L, V677L.
Identifiers: ClinVar variation 1784713 (VCV001784713.2), dbSNP rs2470736158, ClinGen allele CA352165125.

ClinVar aggregate classification (germline): Uncertain significance (1 of 4 stars; one submission).

Conditions:
Cardiovascular phenotype. Identifiers: MedGen CN230736.

Submission:

Ambry Genetics
Classification: Uncertain significance for Cardiovascular phenotype. Last evaluated: 2022-03-03. Review status: criteria provided, single submitter. Criteria: Ambry Variant Classification Scheme 2023. Collection method: clinical testing. Allele origin: germline.
Comment: The p.V677L variant (also known as c.2029G>C), located in coding exon 13 of the SCN10A gene, results from a G to C substitution at nucleotide position 2029. The valine at codon 677 is replaced by leucine, an amino acid with highly similar properties. This amino acid position is conserved. In addition, this alteration is predicted to be tolerated by in silico analysis. Since supporting evidence is limited at this time, the clinical significance of this alteration remains unclear.